The following is an entry in ClinVar:

NM_001291303.3(FAT4):c.14708_14710delinsCAGCACCCAGG (p.Gly4903fs)

Gene: FAT4 (FAT atypical cadherin 4; plus strand). Cytogenetic location: 4q28.1.
Variant type: Indel.
Coding change: c.14708_14710delinsCAGCACCCAGG on transcript NM_001291303.3 (MANE Select); coding-DNA positions 14708 to 14710, GAC replaced by CAGCACCCAGG.
Protein change: p.Gly4903fs; shifts the reading frame from glycine 4903.
Molecular consequence: frameshift variant.
Genome position (GRCh38, 1-based): chr4:125,491,524-125,491,526, GAC replaced by CAGCACCCAGG. VCF-style: chr4-125491524-GAC-CAGCACCCAGG. GRCh37 (hg19) VCF-style: chr4-126412679-GAC-CAGCACCCAGG.
Other names: c.14705_14707delinsCAGCACCCAGG, p.Gly4902fs (NM_001291285.3); c.14702_14704delinsCAGCACCCAGG, p.Gly4901fs (NM_024582.6); c.14702_14704delinsCAGCACCCAGG (NM_024582.5); short protein forms G4902fs, G4903fs, G4901fs.
Identifiers: ClinVar variation 1958402 (VCV001958402.3), dbSNP rs2530092125, ClinGen allele CA2580071489.
Genomic context (GRCh38, chr4:125,491,524, plus strand): 5'-AAGATAATTATGGAGCCAGACTGAAGCCTCGAAGGTACCACGGTCGCAGGGCCGAGGGAG[GAC>CAGCACCCAGG]CTGTGGGCACCCAGGCAGCAGCACCAGGCACTGCTGACAACACACTGCCCATGAAGCTAG-3'

ClinVar aggregate classification (germline): Uncertain significance. Review status: criteria provided, multiple submitters, no conflicts (2 of 4 stars). 2 submissions from 2 submitters: Uncertain significance (2). Last evaluated 2024-02-07.

Conditions:
Van Maldergem syndrome 2 (VMLDS2). Identifiers: Orphanet 314679, MedGen C3809875, MONDO:0014242, OMIM 615546.
Hennekam lymphangiectasia-lymphedema syndrome 2 (HKLLS2). Identifiers: Orphanet 2136, MedGen C4014939, MONDO:0014454, OMIM 616006.

Submissions (2):

Fulgent Genetics
Classification: Uncertain significance for Van Maldergem syndrome 2; Hennekam lymphangiectasia-lymphedema syndrome 2. Last evaluated: 2024-02-07. Review status: criteria provided, single submitter. Criteria: ACMG Guidelines, 2015. Collection method: clinical testing. Allele origin: germline.

Labcorp Genetics (formerly Invitae), Labcorp
Classification: Uncertain significance. Last evaluated: 2022-08-23. Review status: criteria provided, single submitter. Criteria: Invitae Variant Classification Sherloc (09022015). Collection method: clinical testing. Allele origin: germline.
Comment: This sequence change creates a premature translational stop signal (p.Gly4901Alafs*22) in the FAT4 gene. While this is not anticipated to result in nonsense mediated decay, it is expected to disrupt the last 81 amino acid(s) of the FAT4 protein. Information on the frequency of this variant in the gnomAD database is not available, as this variant may be reported differently in the database. This variant has not been reported in the literature in individuals affected with FAT4-related conditions. Experimental studies and prediction algorithms are not available or were not evaluated, and the functional significance of this variant is currently unknown. In summary, the available evidence is currently insufficient to determine the role of this variant in disease. Therefore, it has been classified as a Variant of Uncertain Significance.